The following is an entry in ClinVar:

NM_002880.4(RAF1):c.34A>G (p.Ser12Gly)

Gene: RAF1 (Raf-1 proto-oncogene, serine/threonine kinase; minus strand). Cytogenetic location: 3p25.2.
Variant type: single nucleotide variant.
Coding change: c.34A>G on transcript NM_002880.4 (MANE Select); coding-DNA position 34, A replaced by G.
Protein change: p.Ser12Gly; replaces serine 12 with glycine.
Molecular consequence: missense variant. On other transcripts: 5 prime UTR variant (4), non-coding transcript variant (3).
Genome position (GRCh38, 1-based): chr3:12,618,688, T>C on the plus strand (A>G on the coding strand, the complement: RAF1 is on the minus strand). VCF-style: chr3-12618688-T-C. GRCh37 (hg19) VCF-style: chr3-12660187-T-C.
Other names: c.34A>G, p.Ser12Gly (NM_001354689.3, NM_001354690.3, NM_001354693.3); c.-97A>G (NM_001354691.3, NM_001354692.3, NM_001354694.3 and 1 more transcripts); short protein forms S12G.
Identifiers: ClinVar variation 1312304 (VCV001312304.9), dbSNP rs2125453642, ClinGen allele CA351485217.

ClinVar aggregate classification (germline): Uncertain significance. Review status: criteria provided, multiple submitters, no conflicts (2 of 4 stars). 2 submissions from 2 submitters: Uncertain significance (2). Last evaluated 2022-10-13.

Conditions:
RASopathy. Also called: Noonan spectrum disorder; rasopathies. Identifiers: Orphanet 536391, MedGen C5555857, MONDO:0021060.

Allele frequency attached by ClinVar (database versions not stated): gnomAD exomes below 0.00001.
gnomAD v4.1: 1 of 1,614,222 alleles (0.000062%); highest among the groups gnomAD compares: Non-Finnish European, 0.000085%; no homozygotes.

Submissions (2):

Labcorp Genetics (formerly Invitae), Labcorp
Classification: Uncertain significance for RASopathy. Last evaluated: 2022-10-13. Review status: criteria provided, single submitter. Criteria: Invitae Variant Classification Sherloc (09022015). Collection method: clinical testing. Allele origin: germline.
Comment: In summary, the available evidence is currently insufficient to determine the role of this variant in disease. Therefore, it has been classified as a Variant of Uncertain Significance. This sequence change replaces serine, which is neutral and polar, with glycine, which is neutral and non-polar, at codon 12 of the RAF1 protein (p.Ser12Gly). This variant is not present in population databases (gnomAD no frequency). This variant has not been reported in the literature in individuals affected with RAF1-related conditions. ClinVar contains an entry for this variant (Variation ID: 1312304). Algorithms developed to predict the effect of missense changes on protein structure and function (SIFT, PolyPhen-2, Align-GVGD) all suggest that this variant is likely to be tolerated.

GeneDx
Classification: Uncertain significance. Last evaluated: 2019-09-11. Review status: criteria provided, single submitter. Criteria: GeneDx Variant Classification Process June 2021. Collection method: clinical testing. Allele origin: germline. Affected: yes.
Comment: Has not been previously published as pathogenic or benign to our knowledge; Not observed in large population cohorts (Lek et al., 2016); In silico analysis, which includes protein predictors and evolutionary conservation, supports that this variant does not alter protein structure/function